The following is an entry in ClinVar:

ClinVar aggregate classification (germline): Uncertain significance (1 of 4 stars; one submission).

Submission:

Labcorp Genetics (formerly Invitae), Labcorp
Classification: Uncertain significance. Last evaluated: 2023-06-29. Review status: criteria provided, single submitter. Criteria: Invitae Variant Classification Sherloc (09022015). Collection method: clinical testing. Allele origin: germline.
Comment: This variant has not been reported in the literature in individuals affected with COL9A1-related conditions. ClinVar contains an entry for this variant (Variation ID: 2049500). An algorithm developed to predict the effect of missense changes on protein structure and function (PolyPhen-2) suggests that this variant is likely to be disruptive. In summary, the available evidence is currently insufficient to determine the role of this variant in disease. Therefore, it has been classified as a Variant of Uncertain Significance. This variant is not present in population databases (gnomAD no frequency). This sequence change replaces proline, which is neutral and non-polar, with arginine, which is basic and polar, at codon 860 of the COL9A1 protein (p.Pro860Arg).

NM_001851.6(COL9A1):c.2579C>G (p.Pro860Arg)

Gene: COL9A1 (collagen type IX alpha 1 chain; minus strand). Cytogenetic location: 6q13.
Variant type: single nucleotide variant.
Coding change: c.2579C>G on transcript NM_001851.6 (MANE Select); coding-DNA position 2579, C replaced by G.
Protein change: p.Pro860Arg; replaces proline 860 with arginine.
Molecular consequence: missense variant. On other transcripts: non-coding transcript variant (1).
Genome position (GRCh38, 1-based): chr6:70,225,934, G>C on the plus strand (C>G on the coding strand, the complement: COL9A1 is on the minus strand). VCF-style: chr6-70225934-G-C. GRCh37 (hg19) VCF-style: chr6-70935637-G-C.
Other names: c.1880C>G, p.Pro627Arg (NM_001377289.1); c.1703C>G, p.Pro568Arg (NM_001377290.1); c.1850C>G, p.Pro617Arg (NM_078485.4); short protein forms P627R, P860R, P568R, P617R.
Identifiers: ClinVar variation 2049500 (VCV002049500.4), dbSNP rs1415859081, ClinGen allele CA364670186.